The following is an entry in ClinVar:

ClinVar aggregate classification (germline): Uncertain significance. Review status: criteria provided, multiple submitters, no conflicts (2 of 4 stars). 2 submissions from 2 submitters: Uncertain significance (2). Last evaluated 2025-12-16.

Conditions:
Congenital myotonia, autosomal recessive form. Also called: myotonia congenita, autosomal recessive; BECKER DISEASE; Becker Generalized Myotonia. Identifiers: Orphanet 614, MedGen C0751360, MONDO:0009715, OMIM 255700.
Congenital myotonia, autosomal dominant form (THD). Also called: Myotonia congenita autosomal dominant; THOMSEN DISEASE. Identifiers: Orphanet 614, MedGen C2936781, MONDO:0008055, OMIM 160800.

Allele frequency attached by ClinVar (database versions not stated): gnomAD 0.00002; TOPMed 0.00002; gnomAD exomes 0.00005; ExAC 0.00006.

Submissions (2):

Labcorp Genetics (formerly Invitae), Labcorp
Classification: Uncertain significance for Congenital myotonia, autosomal recessive form; Congenital myotonia, autosomal dominant form. Last evaluated: 2025-12-16. Review status: criteria provided, single submitter. Criteria: Invitae Variant Classification Sherloc (09022015). Collection method: clinical testing. Allele origin: germline.
Comment: This sequence change replaces glutamine, which is neutral and polar, with lysine, which is basic and polar, at codon 763 of the CLCN1 protein (p.Gln763Lys). This variant is present in population databases (rs754581538, gnomAD 0.01%). This missense change has been observed in individual(s) with autosomal dominant myotonia congenita and/or myotonia congenita (PMID: 23739125, 36212636). ClinVar contains an entry for this variant (Variation ID: 462838). An algorithm developed to predict the effect of missense changes on protein structure and function (PolyPhen-2) suggests that this variant is likely to be tolerated. In summary, the available evidence is currently insufficient to determine the role of this variant in disease. Therefore, it has been classified as a Variant of Uncertain Significance.

Revvity Omics, Revvity
Classification: Uncertain significance. Last evaluated: 2019-11-26. Review status: criteria provided, single submitter. Criteria: ACMG Guidelines, 2015. Collection method: clinical testing. Allele origin: germline.

Literature cited by the submitters: PubMed 23739125 (cited by Labcorp Genetics (formerly Invitae), Labcorp); PubMed 36212636 (cited by Labcorp Genetics (formerly Invitae), Labcorp).

NM_000083.3(CLCN1):c.2287C>A (p.Gln763Lys)

Gene: CLCN1 (chloride voltage-gated channel 1; plus strand). Cytogenetic location: 7q34.
Variant type: single nucleotide variant.
Coding change: c.2287C>A on transcript NM_000083.3 (MANE Select); coding-DNA position 2287, C replaced by A.
Protein change: p.Gln763Lys; replaces glutamine 763 with lysine.
Molecular consequence: missense variant. On other transcripts: non-coding transcript variant (1).
Genome position (GRCh38, 1-based): chr7:143,346,581, C>A. VCF-style: chr7-143346581-C-A. GRCh37 (hg19) VCF-style: chr7-143043674-C-A.
Other names: short protein forms Q763K.
Identifiers: ClinVar variation 462838 (VCV000462838.11), dbSNP rs754581538, ClinGen allele CA4537635.